The following is an entry in ClinVar:

ClinVar aggregate classification (germline): Uncertain significance. Review status: criteria provided, multiple submitters, no conflicts (2 of 4 stars). 4 submissions from 4 submitters: Uncertain significance (4). Last evaluated 2025-12-05.

Conditions:
Hereditary cancer-predisposing syndrome. Also called: Neoplastic Syndromes, Hereditary; Hereditary neoplastic syndrome; Tumor predisposition; Hereditary Cancer Syndrome. Identifiers: Orphanet 140162, MedGen C0027672, MeSH D009386, MONDO:0015356.
POLD1-related polyposis and colorectal cancer syndrome (CRCS10). Also called: Colorectal cancer 10; COLORECTAL CANCER, SUSCEPTIBILITY TO, ON CHROMOSOME 19q; Colorectal cancer, susceptibility to, 10. Identifiers: Orphanet 220460, MedGen C2675481, MONDO:0012953, OMIM 612591.

Allele frequency attached by ClinVar (database versions not stated): TOPMed 0.00002.
gnomAD v4.1: 5 of 1,549,048 alleles (0.00032%); highest among the groups gnomAD compares: Non-Finnish European, 0.00044%; no homozygotes.

Submissions (4):

Labcorp Genetics (formerly Invitae), Labcorp
Classification: Uncertain significance for POLD1-related polyposis and colorectal cancer syndrome. Last evaluated: 2025-12-05. Review status: criteria provided, single submitter. Criteria: Invitae Variant Classification Sherloc (09022015). Collection method: clinical testing. Allele origin: germline.
Comment: This sequence change replaces proline, which is neutral and non-polar, with serine, which is neutral and polar, at codon 942 of the POLD1 protein (p.Pro942Ser). This variant is not present in population databases (gnomAD no frequency). This variant has not been reported in the literature in individuals affected with POLD1-related conditions. ClinVar contains an entry for this variant (Variation ID: 469304). Invitae Evidence Modeling of protein sequence and biophysical properties (such as structural, functional, and spatial information, amino acid conservation, physicochemical variation, residue mobility, and thermodynamic stability) indicates that this missense variant is expected to disrupt POLD1 protein function with a positive predictive value of 80%. In summary, the available evidence is currently insufficient to determine the role of this variant in disease. Therefore, it has been classified as a Variant of Uncertain Significance.

Ambry Genetics
Classification: Uncertain significance for Hereditary cancer-predisposing syndrome. Last evaluated: 2025-10-08. Review status: criteria provided, single submitter. Criteria: Ambry Variant Classification Scheme 2023. Collection method: clinical testing. Allele origin: germline.
Comment: The p.P942S variant (also known as c.2824C>T), located in coding exon 22 of the POLD1 gene, results from a C to T substitution at nucleotide position 2824. The proline at codon 942 is replaced by serine, an amino acid with similar properties. This amino acid position is conserved. In addition, the in silico prediction for this alteration is inconclusive. Since supporting evidence is limited at this time, the clinical significance of this alteration remains unclear.

GeneDx
Classification: Uncertain significance. Last evaluated: 2020-06-10. Review status: criteria provided, single submitter. Criteria: GeneDx Variant Classification Process June 2021. Collection method: clinical testing. Allele origin: germline. Affected: yes.
Comment: In silico analysis supports that this missense variant has a deleterious effect on protein structure/function; Has not been previously published as pathogenic or benign to our knowledge; This variant is associated with the following publications: (PMID: 25583476)

Quest Diagnostics Nichols Institute San Juan Capistrano
Classification: Uncertain significance. Last evaluated: 2018-06-01. Review status: criteria provided, single submitter. Criteria: Quest Diagnostics criteria. Collection method: clinical testing. Allele origin: germline.

NM_002691.4(POLD1):c.2824C>T (p.Pro942Ser)

Gene: POLD1 (DNA polymerase delta 1, catalytic subunit; plus strand). Cytogenetic location: 19q13.33.
Variant type: single nucleotide variant.
Coding change: c.2824C>T on transcript NM_002691.4 (MANE Select); coding-DNA position 2824, C replaced by T.
Protein change: p.Pro942Ser; replaces proline 942 with serine.
Molecular consequence: missense variant. On other transcripts: non-coding transcript variant (1).
Genome position (GRCh38, 1-based): chr19:50,416,399, C>T. VCF-style: chr19-50416399-C-T. GRCh37 (hg19) VCF-style: chr19-50919656-C-T.
Other names: c.2824C>T, p.Pro942Ser (NM_001256849.1); c.2902C>T, p.Pro968Ser (NM_001308632.1); short protein forms P942S, P968S.
Identifiers: ClinVar variation 469304 (VCV000469304.17), dbSNP rs1203736050, ClinGen allele CA406986190.
Genomic context (GRCh38, chr19:50,416,399, plus strand): 5'-TGTCCACCCCGGTGCCCTTTCCCTGGCTGCCCGGGTGTGACTGCCATGTGGCCGCAGGAC[C>T]CGCTGTTCGTGCTGGAGCACAGCCTGCCCATTGACACGCAGTACTACCTGGAGCAGCAGC-3'
Protein context (NP_002682.2, residues 932-952): GVAAYMKSED[Pro942Ser]LFVLEHSLPI